The following is an entry in ClinVar:

NM_005862.3(STAG1):c.3312C>A (p.Thr1104=)

Gene: STAG1 (STAG1 cohesin complex component; minus strand). Cytogenetic location: 3q22.3.
Variant type: single nucleotide variant.
Coding change: c.3312C>A on transcript NM_005862.3 (MANE Select); coding-DNA position 3312, C replaced by A.
Protein change: p.Thr1104=; no amino-acid change (threonine 1104 retained).
Molecular consequence: synonymous variant.
Genome position (GRCh38, 1-based): chr3:136,343,966, G>T on the plus strand (C>A on the coding strand, the complement: STAG1 is on the minus strand). VCF-style: chr3-136343966-G-T. GRCh37 (hg19) VCF-style: chr3-136062808-G-T.
Identifiers: ClinVar variation 3036309 (VCV003036309.2), dbSNP rs748823468, ClinGen allele CA2632410.

ClinVar aggregate classification (germline): Likely benign (0 of 4 stars; one submission).

Conditions:
STAG1-related disorder. Also called: STAG1-related disorders.

Allele frequency attached by ClinVar (database versions not stated): gnomAD exomes below 0.00001; ExAC 0.00001; gnomAD 0.00001; TOPMed 0.00002.
gnomAD v4.1: 4 of 1,610,018 alleles (0.00025%); highest among the groups gnomAD compares: Middle Eastern, 0.017%; no homozygotes.

Submission:

PreventionGenetics, part of Exact Sciences
Classification: Likely benign for STAG1-related condition. Last evaluated: 2020-05-22. Review status: no assertion criteria provided. Collection method: clinical testing. Allele origin: germline.
Comment: This variant is classified as likely benign based on ACMG/AMP sequence variant interpretation guidelines (Richards et al. 2015 PMID: 25741868, with internal and published modifications).